The following is an entry in ClinVar:

ClinVar aggregate classification (germline): Uncertain significance (1 of 4 stars; one submission).

Conditions:
Inborn genetic diseases. Identifiers: MedGen C0950123, MeSH D030342.

Submission:

Ambry Genetics
Classification: Uncertain significance for Inborn genetic diseases. Last evaluated: 2024-11-25. Review status: criteria provided, single submitter. Criteria: Ambry Variant Classification Scheme 2023. Collection method: clinical testing. Allele origin: germline.
Comment: The p.T336K variant (also known as c.1007C>A), located in coding exon 5 of the RECQL4 gene, results from a C to A substitution at nucleotide position 1007. The threonine at codon 336 is replaced by lysine, an amino acid with similar properties. This amino acid position is conserved. In addition, this alteration is predicted to be tolerated by in silico analysis. Based on the available evidence, the clinical significance of this variant remains unclear.

NM_004260.4(RECQL4):c.1007C>A (p.Thr336Lys)

Gene: RECQL4 (RecQ like helicase 4; minus strand). Cytogenetic location: 8q24.3.
Variant type: single nucleotide variant.
Coding change: c.1007C>A on transcript NM_004260.4 (MANE Select); coding-DNA position 1007, C replaced by A.
Protein change: p.Thr336Lys; replaces threonine 336 with lysine.
Molecular consequence: missense variant. On other transcripts: 5 prime UTR variant (16), non-coding transcript variant (3), intron variant (3).
Genome position (GRCh38, 1-based): chr8:144,516,112, G>T on the plus strand (C>A on the coding strand, the complement: RECQL4 is on the minus strand). VCF-style: chr8-144516112-G-T. GRCh37 (hg19) VCF-style: chr8-145741496-G-T.
Other names: c.1007C>A, p.Thr336Lys (NM_001413018.1, NM_001413019.1, NM_001413033.1 and 2 more transcripts); c.-65C>A (NM_001413021.1, NM_001413022.1, NM_001413023.1 and 7 more transcripts); c.878C>A, p.Thr293Lys (NM_001413025.1); c.-127C>A (NM_001413027.1, NM_001413030.1, NM_001413031.1 and 2 more transcripts); c.656C>A, p.Thr219Lys (NM_001413029.1); c.-334C>A (NM_001413043.1); c.954-43C>A (NM_001413017.1, NM_001413020.1); c.-22-43C>A (NM_001413034.1); short protein forms T219K, T336K, T293K.
Identifiers: ClinVar variation 3431878 (VCV003431878.1).
Genomic context (GRCh38, chr8:144,516,112, plus strand): 5'-AGCCGTACGTAATTGCCCCTGTCATGGCGGGCCAGCCGAGGGAAGATGTGCAGGGGGGCT[G>T]TGCCCTCAGCCTTCCCAGCCCTAGCTTGACTGGAGGGGCTGAGTCCGTGGTACCTGGGGT-3'
Protein context (NP_004251.4, residues 326-346): SQARAGKAEG[Thr336Lys]APLHIFPRLA